The following is an entry in ClinVar:

NM_002471.4(MYH6):c.2051-2A>G

Gene: MYH6 (myosin heavy chain 6; minus strand). Cytogenetic location: 14q11.2.
Variant type: single nucleotide variant.
Coding change: c.2051-2A>G on transcript NM_002471.4 (MANE Select); the canonical splice acceptor site of the intron before coding-DNA position 2051, A replaced by G.
Molecular consequence: splice acceptor variant.
Genome position (GRCh38, 1-based): chr14:23,397,082, T>C on the plus strand (A>G on the coding strand, the complement: MYH6 is on the minus strand). VCF-style: chr14-23397082-T-C. GRCh37 (hg19) VCF-style: chr14-23866291-T-C.
Other names: c.2051-2A>G (NM_002471.3).
Identifiers: ClinVar variation 1312704 (VCV001312704.4), dbSNP rs2138604704, ClinGen allele CA389019123.
Genomic context (GRCh38, chr14:23,397,082, plus strand): 5'-GCCCTCCAGCACGCCATTGCAGCGCAGCTGGTGCATGACCAGGGGGTTGTCCATCACCCC[T>C]GTGTCAGGAGGGAAGGGGAAAGGGTCAGCCTTAGGGTAAAGTGGATGCCAGCTGTCCTCC-3'

ClinVar aggregate classification (germline): Uncertain significance. Review status: criteria provided, multiple submitters, no conflicts (2 of 4 stars). 3 submissions from 3 submitters: Uncertain significance (3). Last evaluated 2024-02-26.

Conditions:
Cardiovascular phenotype. Identifiers: MedGen CN230736.
Dilated cardiomyopathy 1EE (CMD1EE). Identifiers: Orphanet 154, MedGen C2750466, MONDO:0013198, OMIM 613252.
Hypertrophic cardiomyopathy 14. Identifiers: MedGen C2750467, MONDO:0013197, OMIM 613251.
Hypertrophic cardiomyopathy 1 (CMH1). Also called: Familial hypertrophic cardiomyopathy 1; MYH7-Related Familial Hypertrophic Cardiomyopathy. Identifiers: MedGen C3495498, MONDO:0008647, OMIM 192600.
Sick sinus syndrome 3, susceptibility to (SSS3). Identifiers: Orphanet 166282, MedGen C3279791, MONDO:0013568, OMIM 614090.
Atrial septal defect 3 (ASD3). Identifiers: Orphanet 1478, MedGen C3279790, MONDO:0013567, OMIM 614089.

gnomAD v4.1: 7 of 1,614,182 alleles (0.00043%); highest among the groups gnomAD compares: Non-Finnish European, 0.00059%; no homozygotes.

Submissions (3):

Ambry Genetics
Classification: Uncertain significance for Cardiovascular phenotype. Last evaluated: 2024-02-26. Review status: criteria provided, single submitter. Criteria: Ambry Variant Classification Scheme 2023. Collection method: clinical testing. Allele origin: germline.
Comment: The c.2051-2A>G intronic variant results from an A to G substitution two nucleotides upstream from coding exon 16 in the MYH6 gene. This nucleotide position is highly conserved in available vertebrate species. In silico splice site analysis predicts that this alteration will weaken the native splice acceptor site and will result in the creation or strengthening of a novel splice acceptor site. Alterations that disrupt the canonical splice site are expected to cause aberrant splicing, resulting in an abnormal protein or a transcript that is subject to nonsense-mediated mRNA decay. However, loss of function of MYH6 has not been established as a mechanism of disease. Based on the available evidence, the clinical significance of this alteration remains unclear.

Fulgent Genetics
Classification: Uncertain significance for Hypertrophic cardiomyopathy 1; Hypertrophic cardiomyopathy 14; Dilated cardiomyopathy 1EE; Atrial septal defect 3; Sick sinus syndrome 3, susceptibility to. Last evaluated: 2021-08-11. Review status: criteria provided, single submitter. Criteria: ACMG Guidelines, 2015. Collection method: clinical testing. Allele origin: unknown.

GeneDx
Classification: Uncertain significance. Last evaluated: 2020-06-16. Review status: criteria provided, single submitter. Criteria: GeneDx Variant Classification Process June 2021. Collection method: clinical testing. Allele origin: germline. Affected: yes.
Comment: Has not been previously published as pathogenic or benign to our knowledge; Not observed in large population cohorts (Lek et al., 2016); Canonical splice site variant in a gene for which loss-of-function is not a known mechanism of disease